The following is an entry in ClinVar:

ClinVar aggregate classification (germline): Pathogenic (1 of 4 stars; one submission).

Conditions:
Hereditary cancer-predisposing syndrome. Also called: Neoplastic Syndromes, Hereditary; Tumor predisposition; Hereditary Cancer Syndrome; Hereditary neoplastic syndrome. Identifiers: Orphanet 140162, MedGen C0027672, MeSH D009386, MONDO:0015356.

Submission:

Ambry Genetics
Classification: Pathogenic for Hereditary cancer-predisposing syndrome. Last evaluated: 2020-12-18. Review status: criteria provided, single submitter. Criteria: Ambry Variant Classification Scheme 2023. Collection method: clinical testing. Allele origin: germline.
Comment: The c.3979delC pathogenic mutation, located in coding exon 9 of the BRCA1 gene, results from a deletion of one nucleotide at nucleotide position 3979, causing a translational frameshift with a predicted alternate stop codon (p.Q1327Sfs*9). This alteration is expected to result in loss of function by premature protein truncation or nonsense-mediated mRNA decay. As such, this alteration is interpreted as a disease-causing mutation.

NM_007294.4(BRCA1):c.3979del (p.Gln1327fs)

Genes: BRCA1 (BRCA1 DNA repair associated; minus strand), LOC126862571 (BRD4-independent group 4 enhancer GRCh37_chr17:41243136-41244335; plus strand). Cytogenetic location: 17q21.31.
Variant type: Deletion.
Coding change: c.3979del on transcript NM_007294.4 (MANE Select); coding-DNA position 3979, one base deleted (C; older notation c.3979delC).
Protein change: p.Gln1327fs; shifts the reading frame from glutamine 1327.
Molecular consequence: frameshift variant. On other transcripts: intron variant (135).
Genome position (GRCh38, 1-based): chr17:43,091,552, G deleted on the plus strand (C on the coding strand, the reverse complement: BRCA1 is on the minus strand). VCF-style (leftmost placement, unchanged base first): chr17-43091551-TG-T. GRCh37 (hg19) VCF-style: chr17-41243568-TG-T.
Other names: c.3766del, p.Gln1256fs (NM_001407571.1, NM_001407853.1, NM_001407894.1 and 9 more transcripts); c.3979del, p.Gln1327fs (NM_001407581.1, NM_001407582.1, NM_001407583.1 and 30 more transcripts); c.3976del, p.Gln1326fs (NM_001407587.1, NM_001407590.1, NM_001407591.1 and 22 more transcripts); c.3970del, p.Gln1324fs (NM_001407646.1, NM_001407647.1); c.3856del, p.Gln1286fs (NM_001407648.1, NM_001407664.1, NM_001407665.1 and 19 more transcripts); c.3853del, p.Gln1285fs (NM_001407649.1, NM_001407670.1, NM_001407671.1 and 11 more transcripts); c.3901del, p.Gln1301fs (NM_001407653.1, NM_001407654.1, NM_001407655.1 and 4 more transcripts); c.3898del, p.Gln1300fs (NM_001407659.1, NM_001407660.1, NM_001407661.1 and 1 more transcripts); and 41 more; short protein forms Q1327fs, Q1280fs, Q1216fs, Q1286fs, Q459fs, Q1199fs, Q1238fs, Q1239fs.
Identifiers: ClinVar variation 1736671 (VCV001736671.2), dbSNP rs2552115803, ClinGen allele CA2580094258.
Genomic context (GRCh38, chr17:43,091,551, plus strand): 5'-CTTTCTTCATCATCTGAAACCAATTCCTTGTCACTCAGACCAACTCCCTGGCTTTCAGAC[TG>T]ATGCCTCATTTGTTTGGAAGAACCAATCAAGAAAGGATCCTGGGTGTTTGTATTTGCAGT-3'